The following is an entry in ClinVar:

NM_001844.5(COL2A1):c.762+13G>A

Gene: COL2A1 (collagen type II alpha 1 chain; minus strand). Cytogenetic location: 12q13.11.
Variant type: single nucleotide variant.
Coding change: c.762+13G>A on transcript NM_001844.5 (MANE Select); 13 bases into the intron after coding-DNA position 762, G replaced by A.
Molecular consequence: intron variant.
Genome position (GRCh38, 1-based): chr12:47,995,242, C>T on the plus strand (G>A on the coding strand, the complement: COL2A1 is on the minus strand). VCF-style: chr12-47995242-C-T. GRCh37 (hg19) VCF-style: chr12-48389025-C-T.
Other names: c.555+13G>A (NM_033150.3).
Identifiers: ClinVar variation 506411 (VCV000506411.12), dbSNP rs147698746, ClinGen allele CA6535810.

ClinVar aggregate classification (germline): Likely benign. Review status: criteria provided, multiple submitters, no conflicts (2 of 4 stars). 4 submissions from 4 submitters: Likely benign (4). Last evaluated 2026-01-28.

Allele frequency attached by ClinVar (database versions not stated): gnomAD exomes 0.00015; ExAC 0.00019; ESP Exome Variant Server 0.00031; gnomAD 0.00036 and 0.00039; TOPMed 0.00047; 1000 Genomes Project 30x 0.00125; 1000 Genomes Project 0.00160.
gnomAD v4.1: 169 of 1,611,114 alleles (0.01%); highest among the groups gnomAD compares: African/African-American, 0.17%; 2 homozygotes.

Submissions (4):

Labcorp Genetics (formerly Invitae), Labcorp
Classification: Likely benign. Last evaluated: 2026-01-28. Review status: criteria provided, single submitter. Criteria: Invitae Variant Classification Sherloc (09022015). Collection method: clinical testing. Allele origin: germline.

Blueprint Genetics
Classification: Likely benign. Last evaluated: 2024-07-26. Review status: criteria provided, single submitter. Criteria: ACMG Guidelines, 2015. Collection method: clinical testing. Allele origin: germline.

GeneDx
Classification: Likely benign. Last evaluated: 2018-02-12. Review status: criteria provided, single submitter. Criteria: GeneDx Variant Classification (06012015). Collection method: clinical testing. Allele origin: germline. Affected: yes.
Comment: This variant is considered likely benign or benign based on one or more of the following criteria: it is a conservative change, it occurs at a poorly conserved position in the protein, it is predicted to be benign by multiple in silico algorithms, and/or has population frequency not consistent with disease.

Breakthrough Genomics
Classification: Likely benign. Review status: criteria provided, single submitter. Criteria: ACMG Guidelines, 2015. Collection method: not provided. Allele origin: germline. Inheritance: Autosomal dominant inheritance. Affected: yes.